The following is an entry in ClinVar:

ClinVar aggregate classification (germline): Uncertain significance. Review status: criteria provided, multiple submitters, no conflicts (2 of 4 stars). 2 submissions from 2 submitters: Uncertain significance (2). Last evaluated 2025-11-11.

Conditions:
Inborn genetic diseases. Identifiers: MedGen C0950123, MeSH D030342.

gnomAD v4.1: 18 of 1,614,024 alleles (0.0011%); highest among the groups gnomAD compares: Middle Eastern, 0.033%; no homozygotes.

Submissions (2):

Ambry Genetics
Classification: Uncertain significance for Inborn genetic diseases. Last evaluated: 2025-11-11. Review status: criteria provided, single submitter. Criteria: Ambry Variant Classification Scheme 2023. Collection method: clinical testing. Allele origin: germline.

CeGaT Center for Human Genetics Tuebingen
Classification: Uncertain significance. Last evaluated: 2023-01-01. Review status: criteria provided, single submitter. Criteria: CeGaT Center For Human Genetics Tuebingen Variant Classification Criteria Version 2. Collection method: clinical testing. Allele origin: germline. Affected: yes. Observed: 1 variant allele.
Comment: ANKRD11: PM2, BP4

NM_013275.6(ANKRD11):c.3869A>C (p.His1290Pro)

Gene: ANKRD11 (ankyrin repeat domain 11; minus strand). Cytogenetic location: 16q24.3.
Variant type: single nucleotide variant.
Coding change: c.3869A>C on transcript NM_013275.6 (MANE Select); coding-DNA position 3869, A replaced by C.
Protein change: p.His1290Pro; replaces histidine 1290 with proline.
Molecular consequence: missense variant.
Genome position (GRCh38, 1-based): chr16:89,282,673, T>G on the plus strand (A>C on the coding strand, the complement: ANKRD11 is on the minus strand). VCF-style: chr16-89282673-T-G. GRCh37 (hg19) VCF-style: chr16-89349081-T-G.
Other names: c.3869A>C, p.His1290Pro (NM_001256182.2, NM_001256183.2); c.3869A>C (NM_013275.4); short protein forms H1290P.
Identifiers: ClinVar variation 2647079 (VCV002647079.24), dbSNP rs764356904, ClinGen allele CA397158819.